The following is an entry in ClinVar:

NM_001365951.3(KIF1B):c.2200G>A (p.Glu734Lys)

Gene: KIF1B (kinesin family member 1B; plus strand). Cytogenetic location: 1p36.22.
Variant type: single nucleotide variant.
Coding change: c.2200G>A on transcript NM_001365951.3 (MANE Select); coding-DNA position 2200, G replaced by A.
Protein change: p.Glu734Lys; replaces glutamic acid 734 with lysine.
Molecular consequence: missense variant.
Genome position (GRCh38, 1-based): chr1:10,320,127, G>A. VCF-style: chr1-10320127-G-A. GRCh37 (hg19) VCF-style: chr1-10380185-G-A.
Other names: c.2200G>A, p.Glu734Lys (NM_001365952.1); c.2062G>A, p.Glu688Lys (NM_015074.3); short protein forms E734K, E688K.
Identifiers: ClinVar variation 3534055 (VCV003534055.1).

ClinVar aggregate classification (germline): Uncertain significance (1 of 4 stars; one submission).

Submission:

Ambry Genetics
Classification: Uncertain significance. Last evaluated: 2024-10-25. Review status: criteria provided, single submitter. Criteria: Ambry Variant Classification Scheme 2023. Collection method: clinical testing. Allele origin: germline.
Comment: The p.E688K variant (also known as c.2062G>A), located in coding exon 20 of the KIF1B gene, results from a G to A substitution at nucleotide position 2062. The glutamic acid at codon 688 is replaced by lysine, an amino acid with similar properties. This amino acid position is conserved. In addition, the in silico prediction for this alteration is inconclusive. Based on the available evidence, the clinical significance of this variant remains unclear.